The following is an entry in ClinVar:

NM_001101.5(ACTB):c.1085A>G (p.Tyr362Cys)

Gene: ACTB (actin beta; minus strand). Cytogenetic location: 7p22.1.
Variant type: single nucleotide variant.
Coding change: c.1085A>G on transcript NM_001101.5 (MANE Select); coding-DNA position 1085, A replaced by G.
Protein change: p.Tyr362Cys; replaces tyrosine 362 with cysteine.
Molecular consequence: missense variant.
Genome position (GRCh38, 1-based): chr7:5,527,791, T>C on the plus strand (A>G on the coding strand, the complement: ACTB is on the minus strand). VCF-style: chr7-5527791-T-C. GRCh37 (hg19) VCF-style: chr7-5567422-T-C.
Other names: short protein forms Y362C.
Identifiers: ClinVar variation 2443462 (VCV002443462.2), dbSNP rs2533845832, ClinGen allele CA366699043.

ClinVar aggregate classification (germline): Uncertain significance (1 of 4 stars; one submission).

Submission:

GeneDx
Classification: Uncertain significance. Last evaluated: 2023-07-19. Review status: criteria provided, single submitter. Criteria: GeneDx Variant Classification Process June 2021. Collection method: clinical testing. Allele origin: germline. Affected: yes.
Comment: Not observed at significant frequency in large population cohorts (gnomAD); Missense variants in this gene are often considered pathogenic (HGMD); In silico analysis supports that this missense variant has a deleterious effect on protein structure/function; Has not been previously published as pathogenic or benign to our knowledge